The following is an entry in ClinVar:

NM_000161.3(GCH1):c.16G>T (p.Val6Leu)

Genes: GCH1 (GTP cyclohydrolase 1; minus strand), LOC130055692 (ATAC-STARR-seq lymphoblastoid silent region 5776; plus strand). Cytogenetic location: 14q22.2.
Variant type: single nucleotide variant.
Coding change: c.16G>T on transcript NM_000161.3 (MANE Select); coding-DNA position 16, G replaced by T.
Protein change: p.Val6Leu; replaces valine 6 with leucine.
Molecular consequence: missense variant.
Genome position (GRCh38, 1-based): chr14:54,902,648, C>A on the plus strand (G>T on the coding strand, the complement: GCH1 is on the minus strand). VCF-style: chr14-54902648-C-A. GRCh37 (hg19) VCF-style: chr14-55369366-C-A.
Other names: c.16G>T, p.Val6Leu (NM_001024024.2, NM_001024070.2, NM_001024071.2); short protein forms V6L.
Identifiers: ClinVar variation 1431041 (VCV001431041.7), dbSNP rs1413964407, ClinGen allele CA389794927.

ClinVar aggregate classification (germline): Uncertain significance. Review status: criteria provided, multiple submitters, no conflicts (2 of 4 stars). 2 submissions from 2 submitters: Uncertain significance (2). Last evaluated 2025-08-01.

Conditions:
GTP cyclohydrolase I deficiency. Identifiers: MedGen C0268467, MONDO:0100184.
Dystonia 5 (DRD). Also called: DYSTONIA, PROGRESSIVE, WITH DIURNAL VARIATION; DYSTONIA-PARKINSONISM WITH DIURNAL FLUCTUATION; DYT-GCH1; Dystonia, DOPA-responsive, with or without hyperphenylalaninemia; GTP Cyclohydrolase 1-Deficient Dopa-Responsive Dystonia. Identifiers: Orphanet 98808, MedGen C1851920, MONDO:0007495, OMIM 128230.
GTP cyclohydrolase I deficiency with hyperphenylalaninemia (HPABH4B). Also called: HYPERPHENYLALANINEMIA, BH4-DEFICIENT, B; HYPERPHENYLALANINEMIA, TETRAHYDROBIOPTERIN-DEFICIENT, DUE TO GTP CYCLOHYDROLASE I DEFICIENCY; Hyperphenylalaninemia, tetrahydrobiopterin-deficient, due to GTP cyclohydrolase 1 deficiency. Identifiers: Orphanet 2102, Orphanet 238583, MedGen CN305333, MONDO:0100186, OMIM 233910.

Allele frequency attached by ClinVar (database versions not stated): TOPMed 0.00001.

Submissions (2):

Labcorp Genetics (formerly Invitae), Labcorp
Classification: Uncertain significance for GTP cyclohydrolase I deficiency; Dystonia 5. Last evaluated: 2025-08-01. Review status: criteria provided, single submitter. Criteria: Invitae Variant Classification Sherloc (09022015). Collection method: clinical testing. Allele origin: germline.
Comment: This sequence change replaces valine, which is neutral and non-polar, with leucine, which is neutral and non-polar, at codon 6 of the GCH1 protein (p.Val6Leu). This variant is not present in population databases (gnomAD no frequency). This variant has not been reported in the literature in individuals affected with GCH1-related conditions. ClinVar contains an entry for this variant (Variation ID: 1431041). Invitae Evidence Modeling of protein sequence and biophysical properties (such as structural, functional, and spatial information, amino acid conservation, physicochemical variation, residue mobility, and thermodynamic stability) indicates that this missense variant is not expected to disrupt GCH1 protein function with a negative predictive value of 95%. In summary, the available evidence is currently insufficient to determine the role of this variant in disease. Therefore, it has been classified as a Variant of Uncertain Significance.

Fulgent Genetics
Classification: Uncertain significance for Dystonia 5; GTP cyclohydrolase I deficiency with hyperphenylalaninemia. Last evaluated: 2021-11-09. Review status: criteria provided, single submitter. Criteria: ACMG Guidelines, 2015. Collection method: clinical testing. Allele origin: unknown.